The following is an entry in ClinVar:

ClinVar aggregate classification (germline): Uncertain significance (1 of 4 stars; one submission).

Submission:

Labcorp Genetics (formerly Invitae), Labcorp
Classification: Uncertain significance. Last evaluated: 2024-11-11. Review status: criteria provided, single submitter. Criteria: Invitae Variant Classification Sherloc (09022015). Collection method: clinical testing. Allele origin: germline.
Comment: This sequence change replaces glutamic acid, which is acidic and polar, with glycine, which is neutral and non-polar, at codon 298 of the TERF2IP protein (p.Glu298Gly). This variant is not present in population databases (gnomAD no frequency). This variant has not been reported in the literature in individuals affected with TERF2IP-related conditions. An algorithm developed to predict the effect of missense changes on protein structure and function (PolyPhen-2) suggests that this variant is likely to be disruptive. In summary, the available evidence is currently insufficient to determine the role of this variant in disease. Therefore, it has been classified as a Variant of Uncertain Significance.

NM_018975.4(TERF2IP):c.893A>G (p.Glu298Gly)

Gene: TERF2IP (TERF2 interacting protein; plus strand). Cytogenetic location: 16q23.1.
Variant type: single nucleotide variant.
Coding change: c.893A>G on transcript NM_018975.4 (MANE Select); coding-DNA position 893, A replaced by G.
Protein change: p.Glu298Gly; replaces glutamic acid 298 with glycine.
Molecular consequence: missense variant. On other transcripts: non-coding transcript variant (1).
Genome position (GRCh38, 1-based): chr16:75,656,304, A>G. VCF-style: chr16-75656304-A-G. GRCh37 (hg19) VCF-style: chr16-75690202-A-G.
Other names: short protein forms E298G.
Identifiers: ClinVar variation 3619723 (VCV003619723.2).